The following is an entry in ClinVar:

ClinVar aggregate classification (germline): Likely benign (1 of 4 stars; one submission).

Allele frequency attached by ClinVar (database versions not stated): gnomAD exomes below 0.00001 and 0.00001.

Submission:

GeneDx
Classification: Likely benign. Last evaluated: 2018-05-23. Review status: criteria provided, single submitter. Criteria: GeneDx Variant Classification (06012015). Collection method: clinical testing. Allele origin: germline. Affected: yes.
Comment: This variant is considered likely benign or benign based on one or more of the following criteria: it is a conservative change, it occurs at a poorly conserved position in the protein, it is predicted to be benign by multiple in silico algorithms, and/or has population frequency not consistent with disease.

NM_005506.4(SCARB2):c.1240-20C>T

Gene: SCARB2 (scavenger receptor class B member 2; minus strand). Cytogenetic location: 4q21.1.
Variant type: single nucleotide variant.
Coding change: c.1240-20C>T on transcript NM_005506.4 (MANE Select); 20 bases into the intron before coding-DNA position 1240, C replaced by T.
Molecular consequence: intron variant.
Genome position (GRCh38, 1-based): chr4:76,163,403, G>A on the plus strand (C>T on the coding strand, the complement: SCARB2 is on the minus strand). VCF-style: chr4-76163403-G-A. GRCh37 (hg19) VCF-style: chr4-77084556-G-A.
Other names: c.811-20C>T (NM_001204255.2).
Identifiers: ClinVar variation 668552 (VCV000668552.1), dbSNP rs1372161374, ClinGen allele CA552353716.